The following is an entry in ClinVar:

NM_000307.5(POU3F4):c.700A>T (p.Arg234Trp)

Gene: POU3F4 (POU class 3 homeobox 4; plus strand). Cytogenetic location: Xq21.1.
Variant type: single nucleotide variant.
Coding change: c.700A>T on transcript NM_000307.5 (MANE Select); coding-DNA position 700, A replaced by T.
Protein change: p.Arg234Trp; replaces arginine 234 with tryptophan.
Molecular consequence: missense variant.
Genome position (GRCh38, 1-based): chrX:83,509,024, A>T. VCF-style: chrX-83509024-A-T. GRCh37 (hg19) VCF-style: chrX-82764032-A-T.
Other names: short protein forms R234W.
Identifiers: ClinVar variation 3601673 (VCV003601673.1).
Genomic context (GRCh38, chrX:83,509,024, plus strand): 5'-GACGTGGGGTTGGCGCTGGGCACACTGTATGGTAACGTGTTCTCGCAGACCACCATCTGC[A>T]GGTTCGAGGCCTTGCAGCTGAGCTTCAAAAATATGTGCAAGCTGAAGCCCCTGCTGAACA-3'
Protein context (NP_000298.3, residues 224-244): GNVFSQTTIC[Arg234Trp]FEALQLSFKN

ClinVar aggregate classification (germline): Likely pathogenic (1 of 4 stars; one submission).

Conditions:
X-linked mixed hearing loss with perilymphatic gusher. Also called: Deafness, X-linked 2; NANCE DEAFNESS; PERILYMPHATIC GUSHER-DEAFNESS SYNDROME; SENSORINEURAL DEAFNESS, PROFOUND, WITH OR WITHOUT A CONDUCTIVE COMPONENT, ASSOCIATED WITH A UNIQUE DEVELOPMENTAL ABNORMALITY OF THE EAR; Gusher syndrome. Identifiers: Orphanet 383, MedGen C1844678, MONDO:0010576, OMIM 304400.

Submission:

Institute of Rare Diseases, West China Hospital, Sichuan University
Classification: Likely pathogenic for X-linked mixed hearing loss with perilymphatic gusher. Last evaluated: 2025-01-09. Review status: criteria provided, single submitter. Criteria: ClinGen HL ACMG Specifications v1. Collection method: research. Allele origin: germline. Affected: yes.
Comment: PM1;PM3_Supporting;PP4;PM2_Supporting;PP3